The following is an entry in ClinVar:

NM_000051.4(ATM):c.2954A>C (p.Asp985Ala)

Gene: ATM (ATM serine/threonine kinase; plus strand). Cytogenetic location: 11q22.3.
Variant type: single nucleotide variant.
Coding change: c.2954A>C on transcript NM_000051.4 (MANE Select); coding-DNA position 2954, A replaced by C.
Protein change: p.Asp985Ala; replaces aspartic acid 985 with alanine.
Molecular consequence: missense variant.
Genome position (GRCh38, 1-based): chr11:108,271,283, A>C. VCF-style: chr11-108271283-A-C. GRCh37 (hg19) VCF-style: chr11-108142010-A-C.
Other names: c.2954A>C, p.Asp985Ala (NM_001351834.2); short protein forms D985A.
Identifiers: ClinVar variation 2884131 (VCV002884131.4), dbSNP rs864622159, ClinGen allele CA382547195.

ClinVar aggregate classification (germline): Uncertain significance. Review status: criteria provided, multiple submitters, no conflicts (2 of 4 stars). 2 submissions from 2 submitters: Uncertain significance (2). Last evaluated 2026-03-02.

Conditions:
Hereditary cancer-predisposing syndrome. Also called: Tumor predisposition; Neoplastic Syndromes, Hereditary; Hereditary Cancer Syndrome; Hereditary neoplastic syndrome. Identifiers: Orphanet 140162, MedGen C0027672, MeSH D009386, MONDO:0015356.
Ataxia-telangiectasia syndrome (AT). Also called: LOUIS-BAR SYNDROME; Cerebello-oculocutaneous telangiectasia; Immunodeficiency with ataxia telangiectasia; Ataxia-telangiectasia, complementation group D; AT, COMPLEMENTATION GROUP C; ATAXIA-TELANGIECTASIA, COMPLEMENTATION GROUP A. Identifiers: Orphanet 100, MedGen C0004135, MONDO:0008840, OMIM 208900.

Submissions (2):

Ambry Genetics
Classification: Uncertain significance for Hereditary cancer-predisposing syndrome. Last evaluated: 2026-03-02. Review status: criteria provided, single submitter. Criteria: Ambry Variant Classification Scheme 2023. Collection method: clinical testing. Allele origin: germline.
Comment: The p.D985A variant (also known as c.2954A>C), located in coding exon 19 of the ATM gene, results from an A to C substitution at nucleotide position 2954. The aspartic acid at codon 985 is replaced by alanine, an amino acid with dissimilar properties. In an assay testing ATM function, this variant showed a functionally normal/abnormal/indeterminant result (Lee KS et al. Cell, 2025 Sep;188:5081-5099.e27). This amino acid position is not well conserved in available vertebrate species. In addition, the in silico prediction for this alteration is inconclusive. Based on the available evidence, the clinical significance of this variant remains unclear.

Labcorp Genetics (formerly Invitae), Labcorp
Classification: Uncertain significance for Ataxia-telangiectasia syndrome. Last evaluated: 2023-09-25. Review status: criteria provided, single submitter. Criteria: Invitae Variant Classification Sherloc (09022015). Collection method: clinical testing. Allele origin: germline.
Comment: This sequence change replaces aspartic acid, which is acidic and polar, with alanine, which is neutral and non-polar, at codon 985 of the ATM protein (p.Asp985Ala). This variant is not present in population databases (gnomAD no frequency). This variant has not been reported in the literature in individuals affected with ATM-related conditions. An algorithm developed to predict the effect of missense changes on protein structure and function (PolyPhen-2) suggests that this variant is likely to be tolerated. In summary, the available evidence is currently insufficient to determine the role of this variant in disease. Therefore, it has been classified as a Variant of Uncertain Significance.

Literature cited by the submitters: PubMed 40580951 (cited by Ambry Genetics).